The following is an entry in ClinVar:

NM_000814.6(GABRB3):c.1266G>A (p.Pro422=)

Gene: GABRB3 (gamma-aminobutyric acid type A receptor subunit beta3; minus strand). Cytogenetic location: 15q12.
Variant type: single nucleotide variant.
Coding change: c.1266G>A on transcript NM_000814.6 (MANE Select); coding-DNA position 1266, G replaced by A.
Protein change: p.Pro422=; no amino-acid change (proline 422 retained).
Molecular consequence: synonymous variant.
Genome position (GRCh38, 1-based): chr15:26,547,949, C>T on the plus strand (G>A on the coding strand, the complement: GABRB3 is on the minus strand). VCF-style: chr15-26547949-C-T. GRCh37 (hg19) VCF-style: chr15-26793096-C-T.
Other names: c.1011G>A, p.Pro337= (NM_001191320.2, NM_001278631.2); c.1053G>A, p.Pro351= (NM_001191321.3); c.1266G>A, p.Pro422= (NM_021912.5).
Identifiers: ClinVar variation 681688 (VCV000681688.8), dbSNP rs377621777, ClinGen allele CA7437273.

ClinVar aggregate classification (germline): Likely benign. Review status: criteria provided, multiple submitters, no conflicts (2 of 4 stars). 2 submissions from 2 submitters: Likely benign (2). Last evaluated 2025-06-01.

Conditions:
Epilepsy, childhood absence, susceptibility to, 1. Also called: Epilepsy, childhood absence 1. Identifiers: Orphanet 64280, MedGen C1838604, MONDO:0020759, OMIM 600131.
Epilepsy, childhood absence, susceptibility to, 5. Identifiers: Orphanet 64280, MedGen C2677087, MONDO:0012843, OMIM 612269.

Allele frequency attached by ClinVar (database versions not stated): gnomAD exomes 0.00002 and below 0.00001; TOPMed 0.00003; gnomAD 0.00002; ExAC 0.00002; ESP Exome Variant Server 0.00008.
gnomAD v4.1: 10 of 1,613,992 alleles (0.00062%); highest among the groups gnomAD compares: African/African-American, 0.0053%; no homozygotes.

Submissions (2):

Labcorp Genetics (formerly Invitae), Labcorp
Classification: Likely benign for Epilepsy, childhood absence, susceptibility to, 5; Epilepsy, childhood absence, susceptibility to, 1. Last evaluated: 2025-06-01. Review status: criteria provided, single submitter. Criteria: Invitae Variant Classification Sherloc (09022015). Collection method: clinical testing. Allele origin: germline.

GeneDx
Classification: Likely benign. Last evaluated: 2018-04-09. Review status: criteria provided, single submitter. Criteria: GeneDx Variant Classification (06012015). Collection method: clinical testing. Allele origin: germline. Affected: yes.
Comment: This variant is considered likely benign or benign based on one or more of the following criteria: it is a conservative change, it occurs at a poorly conserved position in the protein, it is predicted to be benign by multiple in silico algorithms, and/or has population frequency not consistent with disease.